The following is an entry in ClinVar:

ClinVar aggregate classification (germline): Pathogenic/Likely pathogenic. Review status: criteria provided, multiple submitters, no conflicts (2 of 4 stars). 5 submissions from 5 submitters: Pathogenic (1); Likely pathogenic (3). 1 of the submissions does not count toward it. Last evaluated 2025-11-14.

Conditions:
Heimler syndrome 1 (HMLR1). Also called: PEROXISOME BIOGENESIS DISORDER 1C. Identifiers: Orphanet 3220, MedGen C4551980, OMIM 234580, MONDO:0024544.
Zellweger spectrum disorders (ZS). Also called: Zellweger syndrome; Zellweger Spectrum Disorder; Zellweger Spectrum; Zellweger Spectrum Disorder (ZSD). Identifiers: Orphanet 912, MedGen C0043459, MONDO:0019609.
Peroxisome biogenesis disorder. Identifiers: Orphanet 79189, MedGen C1832200, MONDO:0019234. Disease mechanism: loss of function.
Peroxisome biogenesis disorder 1A (Zellweger) (PBD1A). Also called: Zellweger leukodystrophy; Peroxisome biogenesis disorder 1a. Identifiers: MedGen C4721541, MONDO:0008953, OMIM 214100.

Allele frequency attached by ClinVar (database versions not stated): gnomAD 0.00001.
gnomAD v4.1: 1 of 1,613,966 alleles (0.000062%); highest among the groups gnomAD compares: East Asian, 0.0022%; no homozygotes.

Submissions (5):

Women's Health and Genetics/Laboratory Corporation of America, LabCorp
Classification: Likely pathogenic for Peroxisome biogenesis disorder. Last evaluated: 2025-11-14. Review status: criteria provided, single submitter. Criteria: LabCorp Variant Classification Summary - May 2015. Collection method: clinical testing. Allele origin: germline.
Comment: Variant summary: PEX1 c.1777G>A (p.Gly593Arg) results in a non-conservative amino acid change in the encoded protein sequence. Algorithms developed to predict the effect of missense changes on protein structure and function all suggest that this variant is likely to be disruptive. The variant was absent in 251468 control chromosomes. c.1777G>A has been observed in the presumed compound heterozygous state in multiple individual(s) affected with clinical features of Zellweger Syndrome Spectrum peroxisome biogenesis disorders (example, Berendse_2016, Wangler_2016, Klouwer_2018, Yik_2009, Wanger_2023, Walter_2001). These data indicate that the variant may be associated with disease. At least one publication reports experimental evidence evaluating an impact on protein expression in patient samples, however, does not allow convincing conclusions about the variant effect in isolation. The following publications have been ascertained in the context of this evaluation (PMID: 27469511, 26287655, 33708531, 29419819, 25525159, 16086329, 16141001, 28857144, 19105186, 37567036, 21031596, 11389485, 31964843). ClinVar contains an entry for this variant (Variation ID: 549945). Based on the evidence outlined above, the variant was classified as likely pathogenic.

Labcorp Genetics (formerly Invitae), Labcorp
Classification: Likely pathogenic for Zellweger spectrum disorders. Last evaluated: 2023-11-29. Review status: criteria provided, single submitter. Criteria: Invitae Variant Classification Sherloc (09022015). Collection method: clinical testing. Allele origin: germline.
Comment: This sequence change replaces glycine, which is neutral and non-polar, with arginine, which is basic and polar, at codon 593 of the PEX1 protein (p.Gly593Arg). This variant is present in population databases (rs61750407, gnomAD 0.06%). This missense change has been observed in individuals with Zellweger spectrum disorders (PMID: 11389485, 19105186, 29419819). ClinVar contains an entry for this variant (Variation ID: 549945). Advanced modeling of protein sequence and biophysical properties (such as structural, functional, and spatial information, amino acid conservation, physicochemical variation, residue mobility, and thermodynamic stability) has been performed at Invitae for this missense variant, however the output from this modeling did not meet the statistical confidence thresholds required to predict the impact of this variant on PEX1 protein function. Studies have shown that this missense change alters PEX1 gene expression (PMID: 11389485). In summary, the currently available evidence indicates that the variant is pathogenic, but additional data are needed to prove that conclusively. Therefore, this variant has been classified as Likely Pathogenic.

Baylor Genetics
Classification: Pathogenic for Heimler syndrome 1. Last evaluated: 2023-08-24. Review status: criteria provided, single submitter. Criteria: ACMG Guidelines, 2015. Collection method: clinical testing. Allele origin: unknown.

Wangler Lab, Baylor College of Medicine
Classification: Likely pathogenic for Peroxisome biogenesis disorder 1A (Zellweger). Last evaluated: 2023-02-10. Review status: criteria provided, single submitter. Criteria: ACMG Guidelines, 2015. Collection method: research. Allele origin: unknown. Inheritance: Autosomal recessive inheritance. Affected: yes.
Comment: This missense change (c.1777G>A) in PEX1 was seen in trans with c.2916delA (p.G973fs) (PM3), a well known pathogenic change to PEX1. It is reported in an affected patient by Wangler et al. (PMID: 29419819). The c.1777G>A change is predicted to be pathogenic by multiple computational models (PP3), and it is not seen in population databases of healthy individuals (PM2). We interpret this variant to be likely pathogenic.

Counsyl
Classification: Uncertain significance for Peroxisome biogenesis disorder 1A (Zellweger). Last evaluated: 2017-01-11. Review status: no assertion criteria provided. Collection method: clinical testing. Allele origin: unknown. Not counted in ClinVar's aggregate classification.

Literature cited by the submitters: PubMed 16086329 (cited by Women's Health and Genetics/Laboratory Corporation of America, LabCorp); PubMed 25525159 (cited by Women's Health and Genetics/Laboratory Corporation of America, LabCorp and Counsyl); PubMed 19105186 (cited by 3 submitters); PubMed 21031596 (cited by Women's Health and Genetics/Laboratory Corporation of America, LabCorp and Counsyl); PubMed 16141001 (cited by Women's Health and Genetics/Laboratory Corporation of America, LabCorp); PubMed 26287655 (cited by Women's Health and Genetics/Laboratory Corporation of America, LabCorp); PubMed 27469511 (cited by Women's Health and Genetics/Laboratory Corporation of America, LabCorp); PubMed 11389485 (cited by 3 submitters); PubMed 33708531 (cited by Women's Health and Genetics/Laboratory Corporation of America, LabCorp); PubMed 31964843 (cited by Women's Health and Genetics/Laboratory Corporation of America, LabCorp); PubMed 28857144 (cited by Women's Health and Genetics/Laboratory Corporation of America, LabCorp); PubMed 29419819 (cited by 3 submitters); PubMed 37567036 (cited by Women's Health and Genetics/Laboratory Corporation of America, LabCorp).

NM_000466.3(PEX1):c.1777G>A (p.Gly593Arg)

Gene: PEX1 (peroxisomal biogenesis factor 1; minus strand). Cytogenetic location: 7q21.2.
Variant type: single nucleotide variant.
Coding change: c.1777G>A on transcript NM_000466.3 (MANE Select); coding-DNA position 1777, G replaced by A.
Protein change: p.Gly593Arg; replaces glycine 593 with arginine.
Molecular consequence: missense variant.
Genome position (GRCh38, 1-based): chr7:92,507,020, C>T on the plus strand (G>A on the coding strand, the complement: PEX1 is on the minus strand). VCF-style: chr7-92507020-C-T. GRCh37 (hg19) VCF-style: chr7-92136334-C-T.
Other names: c.1777G>A, p.Gly593Arg (NM_001282677.2); c.1153G>A, p.Gly385Arg (NM_001282678.2); short protein forms G593R, G385R.
Identifiers: ClinVar variation 549945 (VCV000549945.8), dbSNP rs61750407, ClinGen allele CA161966090.
Genomic context (GRCh38, chr7:92,507,020, plus strand): 5'-GTTACAGAAAAATGAACACACCTTAACCACTTACCTTTCCTCCTGTGAGTAAAAGAGCTC[C>T]ATTCCTAAGTCCTGCAACAAGAGACATCAGCTGCCGAGACAAAGGGCGTCCCAGGAGGCT-3'
Protein context (NP_000457.1, residues 583-603): LMSLVAGLRN[Gly593Arg]ALLLTGGKGS